The following is an entry in ClinVar:

ClinVar aggregate classification (germline): Uncertain significance (1 of 4 stars; one submission).

Conditions:
Hereditary cancer-predisposing syndrome. Also called: Neoplastic Syndromes, Hereditary; Hereditary Cancer Syndrome; Tumor predisposition; Hereditary neoplastic syndrome. Identifiers: Orphanet 140162, MedGen C0027672, MeSH D009386, MONDO:0015356.

Submission:

Ambry Genetics
Classification: Uncertain significance for Hereditary cancer-predisposing syndrome. Last evaluated: 2024-12-21. Review status: criteria provided, single submitter. Criteria: Ambry Variant Classification Scheme 2023. Collection method: clinical testing. Allele origin: germline.
Comment: The p.V1803G variant (also known as c.5408T>G), located in coding exon 40 of the POLE gene, results from a T to G substitution at nucleotide position 5408. The valine at codon 1803 is replaced by glycine, an amino acid with dissimilar properties. This amino acid position is conserved. In addition, this alteration is predicted to be deleterious by in silico analysis. Based on the available evidence, the clinical significance of this variant remains unclear.

NM_006231.4(POLE):c.5408T>G (p.Val1803Gly)

Gene: POLE (DNA polymerase epsilon, catalytic subunit; minus strand). Cytogenetic location: 12q24.33.
Variant type: single nucleotide variant.
Coding change: c.5408T>G on transcript NM_006231.4 (MANE Select); coding-DNA position 5408, T replaced by G.
Protein change: p.Val1803Gly; replaces valine 1803 with glycine.
Molecular consequence: missense variant.
Genome position (GRCh38, 1-based): chr12:132,639,269, A>C on the plus strand (T>G on the coding strand, the complement: POLE is on the minus strand). VCF-style: chr12-132639269-A-C. GRCh37 (hg19) VCF-style: chr12-133215855-A-C.
Other names: short protein forms V1803G.
Identifiers: ClinVar variation 3781537 (VCV003781537.1).